The following is an entry in ClinVar:

NM_147686.4(TRAF3IP2):c.661G>A (p.Val221Met)

Genes: TRAF3IP2-AS1 (TRAF3IP2 antisense RNA 1; plus strand), TRAF3IP2 (TRAF3 interacting protein 2; minus strand), LOC114803478 (TRAF3IP2 eExon liver enhancer; plus strand). Cytogenetic location: 6q21.
Variant type: single nucleotide variant.
Coding change: c.661G>A on transcript NM_147686.4 (MANE Select); coding-DNA position 661, G replaced by A.
Protein change: p.Val221Met; replaces valine 221 with methionine.
Molecular consequence: missense variant.
Genome position (GRCh38, 1-based): chr6:111,591,426, C>T on the plus strand (G>A on the coding strand, the complement: TRAF3IP2 is on the minus strand). VCF-style: chr6-111591426-C-T. GRCh37 (hg19) VCF-style: chr6-111912629-C-T.
Other names: c.661G>A, p.Val221Met (NM_001164281.3); c.688G>A, p.Val230Met (NM_147200.3); c.661G>A (NM_147686.2); short protein forms V230M, V221M.
Identifiers: ClinVar variation 842746 (VCV000842746.11), dbSNP rs145697646, ClinGen allele CA3963282.

ClinVar aggregate classification (germline): Uncertain significance. Review status: criteria provided, multiple submitters, no conflicts (2 of 4 stars). 2 submissions from 2 submitters: Uncertain significance (2). Last evaluated 2023-01-10.

Conditions:
Candidiasis, familial, 8 (CANDF8). Identifiers: Orphanet 1334, MedGen C3714992, MONDO:0014230, OMIM 615527.

Allele frequency attached by ClinVar (database versions not stated): gnomAD 0.00002 and 0.00005; gnomAD exomes 0.00003 and 0.00008; TOPMed 0.00003; ExAC 0.00006; ESP Exome Variant Server 0.00008.
gnomAD v4.1: 46 of 1,571,274 alleles (0.0029%); highest among the groups gnomAD compares: South Asian, 0.033%; no homozygotes.

Submissions (2):

Ambry Genetics
Classification: Uncertain significance. Last evaluated: 2023-01-10. Review status: criteria provided, single submitter. Criteria: Ambry Variant Classification Scheme 2023. Collection method: clinical testing. Allele origin: germline.

Labcorp Genetics (formerly Invitae), Labcorp
Classification: Uncertain significance for Candidiasis, familial, 8. Last evaluated: 2022-07-11. Review status: criteria provided, single submitter. Criteria: Invitae Variant Classification Sherloc (09022015). Collection method: clinical testing. Allele origin: germline.
Comment: In summary, the available evidence is currently insufficient to determine the role of this variant in disease. Therefore, it has been classified as a Variant of Uncertain Significance. Algorithms developed to predict the effect of missense changes on protein structure and function output the following: SIFT: "Deleterious"; PolyPhen-2: "Benign"; Align-GVGD: "Class C0". The methionine amino acid residue is found in multiple mammalian species, which suggests that this missense change does not adversely affect protein function. ClinVar contains an entry for this variant (Variation ID: 842746). This variant has not been reported in the literature in individuals affected with TRAF3IP2-related conditions. This variant is present in population databases (rs145697646, gnomAD 0.04%). This sequence change replaces valine, which is neutral and non-polar, with methionine, which is neutral and non-polar, at codon 221 of the TRAF3IP2 protein (p.Val221Met).